The following is an entry in ClinVar:

NM_001256789.3(CACNA1F):c.3832C>T (p.Arg1278Cys)

Gene: CACNA1F (calcium voltage-gated channel subunit alpha1 F; minus strand). Cytogenetic location: Xp11.23.
Variant type: single nucleotide variant.
Coding change: c.3832C>T on transcript NM_001256789.3 (MANE Select); coding-DNA position 3832, C replaced by T.
Protein change: p.Arg1278Cys; replaces arginine 1278 with cysteine.
Molecular consequence: missense variant.
Genome position (GRCh38, 1-based): chrX:49,212,777, G>A on the plus strand (C>T on the coding strand, the complement: CACNA1F is on the minus strand). VCF-style: chrX-49212777-G-A. GRCh37 (hg19) VCF-style: chrX-49069237-G-A.
Other names: c.3670C>T, p.Arg1224Cys (NM_001256790.3); c.3865C>T, p.Arg1289Cys (NM_005183.4); short protein forms R1224C, R1289C, R1278C.
Identifiers: ClinVar variation 1436138 (VCV001436138.8), dbSNP rs781903207, ClinGen allele CA10410345.

ClinVar aggregate classification (germline): Conflicting classifications of pathogenicity. Review status: criteria provided, conflicting classifications (1 of 4 stars). 3 submissions from 3 submitters: Uncertain significance (2); Benign (1). Last evaluated 2025-11-22.

Allele frequency attached by ClinVar (database versions not stated): gnomAD 0.00002; gnomAD exomes 0.00002; ExAC 0.00003; TOPMed 0.00004.
gnomAD v4.1: 38 of 1,208,264 alleles (0.0031%); highest among the groups gnomAD compares: South Asian, 0.0089%; no homozygotes.

Submissions (3):

Labcorp Genetics (formerly Invitae), Labcorp
Classification: Uncertain significance. Last evaluated: 2025-11-22. Review status: criteria provided, single submitter. Criteria: Invitae Variant Classification Sherloc (09022015). Collection method: clinical testing. Allele origin: germline.
Comment: This sequence change replaces arginine, which is basic and polar, with cysteine, which is neutral and slightly polar, at codon 1289 of the CACNA1F protein (p.Arg1289Cys). The frequency data for this variant in the population databases is considered unreliable, as metrics indicate poor data quality at this position in the gnomAD database. This variant has not been reported in the literature in individuals affected with CACNA1F-related conditions. ClinVar contains an entry for this variant (Variation ID: 1436138). Invitae Evidence Modeling of protein sequence and biophysical properties (such as structural, functional, and spatial information, amino acid conservation, physicochemical variation, residue mobility, and thermodynamic stability) indicates that this missense variant is not expected to disrupt CACNA1F protein function with a negative predictive value of 80%. In summary, the available evidence is currently insufficient to determine the role of this variant in disease. Therefore, it has been classified as a Variant of Uncertain Significance.

Laboratory of Genetics, Children's Clinical University Hospital Latvia
Classification: Benign. Last evaluated: 2025-02-16. Review status: criteria provided, single submitter. Criteria: ACMG Guidelines, 2015. Collection method: clinical testing. Allele origin: germline. Affected: yes.

Blueprint Genetics
Classification: Uncertain significance. Last evaluated: 2024-02-13. Review status: criteria provided, single submitter. Criteria: ACMG Guidelines, 2015. Collection method: clinical testing. Allele origin: germline.